The following is an entry in ClinVar:

ClinVar aggregate classification (germline): Uncertain significance (1 of 4 stars; one submission).

Allele frequency attached by ClinVar (database versions not stated): gnomAD exomes below 0.00001; ExAC 0.00001.
gnomAD v4.1: 1 of 1,614,090 alleles (0.000062%); highest among the groups gnomAD compares: South Asian, 0.0011%; no homozygotes.

Submission:

Ambry Genetics
Classification: Uncertain significance. Last evaluated: 2021-12-27. Review status: criteria provided, single submitter. Criteria: Ambry Variant Classification Scheme 2023. Collection method: clinical testing. Allele origin: germline.
Comment: The p.Q310R variant (also known as c.929A>G), located in coding exon 9 of the RAD54L gene, results from an A to G substitution at nucleotide position 929. The glutamine at codon 310 is replaced by arginine, an amino acid with highly similar properties. This amino acid position is conserved. In addition, this alteration is predicted to be deleterious by in silico analysis. Since supporting evidence is limited at this time, the clinical significance of this alteration remains unclear.

NM_003579.4(RAD54L):c.929A>G (p.Gln310Arg)

Gene: RAD54L (RAD54 like; plus strand). Cytogenetic location: 1p34.1.
Variant type: single nucleotide variant.
Coding change: c.929A>G on transcript NM_003579.4 (MANE Select); coding-DNA position 929, A replaced by G.
Protein change: p.Gln310Arg; replaces glutamine 310 with arginine.
Molecular consequence: missense variant.
Genome position (GRCh38, 1-based): chr1:46,267,496, A>G. VCF-style: chr1-46267496-A-G. GRCh37 (hg19) VCF-style: chr1-46733168-A-G.
Other names: c.929A>G, p.Gln310Arg (NM_001142548.2); c.389A>G, p.Gln130Arg (NM_001370766.1); short protein forms Q310R, Q130R.
Identifiers: ClinVar variation 1766452 (VCV001766452.2), dbSNP rs775966419, ClinGen allele CA834425.
Genomic context (GRCh38, chr1:46,267,496, plus strand): 5'-TCTGAATAAGGATTCTCTTGCAGGGACACAGGCTCAAGAACTCTGAGAATCAGACTTACC[A>G]AGCCCTGGACAGCTTGAACACCAGCCGGCGGGTGCTCATCTCCGGAACTCCCATCCAGAA-3'
Protein context (NP_003570.2, residues 300-320): RLKNSENQTY[Gln310Arg]ALDSLNTSRR